The following is an entry in ClinVar:

NM_002109.6(HARS1):c.101A>T (p.Glu34Val)

Gene: HARS1 (histidyl-tRNA synthetase 1; minus strand). Cytogenetic location: 5q31.3.
Variant type: single nucleotide variant.
Coding change: c.101A>T on transcript NM_002109.6 (MANE Select); coding-DNA position 101, A replaced by T.
Protein change: p.Glu34Val; replaces glutamic acid 34 with valine.
Molecular consequence: missense variant.
Genome position (GRCh38, 1-based): chr5:140,690,934, T>A on the plus strand (A>T on the coding strand, the complement: HARS1 is on the minus strand). VCF-style: chr5-140690934-T-A. GRCh37 (hg19) VCF-style: chr5-140070519-T-A.
Other names: c.101A>T, p.Glu34Val (NM_001258040.3, NM_001258041.3, NM_001258042.3 and 2 more transcripts); c.14A>T, p.Glu5Val (NM_001289094.2); short protein forms E34V, E5V.
Identifiers: ClinVar variation 2116939 (VCV002116939.4), dbSNP rs2481339347, ClinGen allele CA361191519.

ClinVar aggregate classification (germline): Uncertain significance (1 of 4 stars; one submission).

Conditions:
Usher syndrome type 3B. Also called: USHER SYNDROME, TYPE IIIB. Identifiers: MedGen C3281066, MONDO:0013788, OMIM 614504.

Submission:

Labcorp Genetics (formerly Invitae), Labcorp
Classification: Uncertain significance for Usher syndrome type 3B. Last evaluated: 2022-03-27. Review status: criteria provided, single submitter. Criteria: Invitae Variant Classification Sherloc (09022015). Collection method: clinical testing. Allele origin: germline.
Comment: In summary, the available evidence is currently insufficient to determine the role of this variant in disease. Therefore, it has been classified as a Variant of Uncertain Significance. Algorithms developed to predict the effect of missense changes on protein structure and function are either unavailable or do not agree on the potential impact of this missense change (SIFT: "Tolerated"; PolyPhen-2: "Possibly Damaging"; Align-GVGD: "Class C0"). This variant has not been reported in the literature in individuals affected with HARS-related conditions. This variant is not present in population databases (gnomAD no frequency). This sequence change replaces glutamic acid, which is acidic and polar, with valine, which is neutral and non-polar, at codon 34 of the HARS protein (p.Glu34Val).